The following is an entry in ClinVar:

ClinVar aggregate classification (germline): Uncertain significance (1 of 4 stars; one submission).

Conditions:
Hereditary sensory and autonomic neuropathy type 6. Also called: HSAN VI; Neuropathy, hereditary sensory and autonomic, type VI. Identifiers: Orphanet 314381, MedGen C3539003, MONDO:0013839, OMIM 614653.
Epidermolysis bullosa simplex 3, localized or generalized intermediate, with BP230 deficiency (EBS3). Also called: Epidermolysis bullosa simplex, autosomal recessive 2; Epidermolysis bullosa simplex due to BP230 deficiency. Identifiers: Orphanet 412181, MedGen C3809470, MONDO:0014180, OMIM 615425.

gnomAD v4.1: 2 of 1,613,956 alleles (0.00012%); highest among the groups gnomAD compares: Non-Finnish European, 0.00017%; no homozygotes.

Submission:

Labcorp Genetics (formerly Invitae), Labcorp
Classification: Uncertain significance for Epidermolysis bullosa simplex 3, localized or generalized intermediate, with BP230 deficiency; Hereditary sensory and autonomic neuropathy type 6. Last evaluated: 2023-04-19. Review status: criteria provided, single submitter. Criteria: Invitae Variant Classification Sherloc (09022015). Collection method: clinical testing. Allele origin: germline.
Comment: In summary, the available evidence is currently insufficient to determine the role of this variant in disease. Therefore, it has been classified as a Variant of Uncertain Significance. Experimental studies and prediction algorithms are not available or were not evaluated, and the effect of this variant on mRNA splicing is currently unknown. This variant has not been reported in the literature in individuals affected with DST-related conditions. This variant is not present in population databases (gnomAD no frequency). This sequence change affects codon 4973 of the DST mRNA. It is a 'silent' change, meaning that it does not change the encoded amino acid sequence of the DST protein. The DST gene has multiple clinically relevant transcripts. This variant occurs in alternate transcript NM_015548.4, and corresponds to M_001723.5:c.*151853G>A (Silent) in the primary transcript.

NM_001374736.1(DST):c.22860G>A (p.Arg7620=)

Gene: DST (dystonin; minus strand). Cytogenetic location: 6p12.1.
Variant type: single nucleotide variant.
Coding change: c.22860G>A on transcript NM_001374736.1 (MANE Select); coding-DNA position 22860, G replaced by A.
Protein change: p.Arg7620=; no amino-acid change (arginine 7620 retained).
Molecular consequence: synonymous variant.
Genome position (GRCh38, 1-based): chr6:56,463,664, C>T on the plus strand (G>A on the coding strand, the complement: DST is on the minus strand). VCF-style: chr6-56463664-C-T. GRCh37 (hg19) VCF-style: chr6-56328462-C-T.
Other names: c.16431G>A, p.Arg5477= (NM_001144769.5); c.16017G>A, p.Arg5339= (NM_001144770.2); c.22788G>A, p.Arg7596= (NM_001374722.1); c.21900G>A, p.Arg7300= (NM_001374729.1); c.15642G>A, p.Arg5214= (NM_001374730.1); c.22815G>A, p.Arg7605= (NM_001374734.1); c.15879G>A, p.Arg5293= (NM_001386100.1); c.14919G>A, p.Arg4973= (NM_015548.5); and 1 more.
Identifiers: ClinVar variation 2930827 (VCV002930827.3), dbSNP rs377586570, ClinGen allele CA450482435.
Genomic context (GRCh38, chr6:56,463,664, plus strand): 5'-CTGCGCAGCCTGACTGGACACAGAAGTGGATCTGTTGGGTGAAGCGCCTCGTGATGATGG[C>T]CGGGATCTTCGGCCTCGGGGTCGGAAAGCAGCCATACCCTGGCTGGCACCATCTGCTAAA-3'
Protein context (NP_001361665.1, residues 7610-7630): AAFRPRGRRS[Arg7620=]PSSRGASPNR